The following is an entry in ClinVar:

ClinVar aggregate classification (germline): Pathogenic (1 of 4 stars; one submission).

Conditions:
Legius syndrome. Identifiers: Orphanet 137605, MedGen C1969623, MONDO:0012669, OMIM 611431. Disease mechanism: loss of function.

Submission:

Labcorp Genetics (formerly Invitae), Labcorp
Classification: Pathogenic for Legius syndrome. Last evaluated: 2025-01-18. Review status: criteria provided, single submitter. Criteria: Invitae Variant Classification Sherloc (09022015). Collection method: clinical testing. Allele origin: germline.
Comment: This sequence change creates a premature translational stop signal (p.Ser367Ilefs*40) in the SPRED1 gene. While this is not anticipated to result in nonsense mediated decay, it is expected to disrupt the last 78 amino acid(s) of the SPRED1 protein. This variant is not present in population databases (gnomAD no frequency). This variant has not been reported in the literature in individuals affected with SPRED1-related conditions. This variant disrupts a region of the SPRED1 protein in which other variant(s) (p.Phe400Valfs*32) have been determined to be pathogenic (PMID: 19920235). This suggests that this is a clinically significant region of the protein, and that variants that disrupt it are likely to be disease-causing. For these reasons, this variant has been classified as Pathogenic.

Literature cited by the submitters: PubMed 19920235.

NM_152594.3(SPRED1):c.1098_1099dup (p.Ser367fs)

Gene: SPRED1 (sprouty related EVH1 domain containing 1; plus strand). Cytogenetic location: 15q14.
Variant type: Duplication.
Coding change: c.1098_1099dup on transcript NM_152594.3 (MANE Select); coding-DNA positions 1098 to 1099, 2 bases duplicated (TA; older notation c.1098_1099dupTA).
Protein change: p.Ser367fs; shifts the reading frame from serine 367.
Molecular consequence: frameshift variant.
Genome position (GRCh38, 1-based): chr15:38,351,427-38,351,428, TA duplicated. VCF-style (leftmost placement, unchanged base first): chr15-38351426-T-TTA. GRCh37 (hg19) VCF-style: chr15-38643627-T-TTA.
Other names: short protein forms S367fs.
Identifiers: ClinVar variation 3729131 (VCV003729131.2).
Genomic context (GRCh38, chr15:38,351,426, plus strand): 5'-AAAATGTTAGGGGAAAATGTCAGGATGCTCCAGACCCTATTAAAAGATGCATATATCAAG[T>TTA]TAGTTGCATGCTCTGTGCAGAGAGCATGTTGTATCATTGTATGTCAGACTCAGAGGGAGA-3'